The following is an entry in ClinVar:

ClinVar aggregate classification (germline): Uncertain significance (0 of 4 stars; one submission).

Conditions:
GRID1-related disorder. Also called: GRID1-related condition.

gnomAD v4.1: 2 of 1,613,892 alleles (0.00012%); highest among the groups gnomAD compares: Admixed American, 0.0017%; no homozygotes.

Submission:

PreventionGenetics, part of Exact Sciences
Classification: Uncertain significance for GRID1-related condition. Last evaluated: 2024-04-02. Review status: no assertion criteria provided. Collection method: clinical testing. Allele origin: germline.
Comment: The GRID1 c.1690G>C variant is predicted to result in the amino acid substitution p.Ala564Pro. To our knowledge, this variant has not been reported in the literature or in a large population database, indicating this variant is rare. At this time, the clinical significance of this variant is uncertain due to the absence of conclusive functional and genetic evidence.

NM_017551.3(GRID1):c.1690G>C (p.Ala564Pro)

Gene: GRID1 (glutamate ionotropic receptor delta type subunit 1; minus strand). Cytogenetic location: 10q23.1.
Variant type: single nucleotide variant.
Coding change: c.1690G>C on transcript NM_017551.3 (MANE Select); coding-DNA position 1690, G replaced by C.
Protein change: p.Ala564Pro; replaces alanine 564 with proline.
Molecular consequence: missense variant.
Genome position (GRCh38, 1-based): chr10:85,724,520, C>G on the plus strand (G>C on the coding strand, the complement: GRID1 is on the minus strand). VCF-style: chr10-85724520-C-G. GRCh37 (hg19) VCF-style: chr10-87484277-C-G.
Other names: short protein forms A564P.
Identifiers: ClinVar variation 3355807 (VCV003355807.1).